The following is an entry in ClinVar:

ClinVar aggregate classification (germline): Uncertain significance. Review status: criteria provided, multiple submitters, no conflicts (2 of 4 stars). 6 submissions from 6 submitters: Uncertain significance (6). Last evaluated 2026-01-20.

Conditions:
Inborn genetic diseases. Identifiers: MedGen C0950123, MeSH D030342.
Spastic paraplegia. Identifiers: MedGen C0037772, HP:0001258.

Allele frequency attached by ClinVar (database versions not stated): gnomAD exomes 0.00001 and 0.00002; gnomAD 0.00009 and 0.00010; TOPMed 0.00010.
gnomAD v4.1: 25 of 1,612,736 alleles (0.0016%); highest among the groups gnomAD compares: African/African-American, 0.033%; no homozygotes.

Submissions (6):

Labcorp Genetics (formerly Invitae), Labcorp
Classification: Uncertain significance for Spastic paraplegia. Last evaluated: 2026-01-20. Review status: criteria provided, single submitter. Criteria: Invitae Variant Classification Sherloc (09022015). Collection method: clinical testing. Allele origin: germline.
Comment: This sequence change replaces lysine, which is basic and polar, with glutamic acid, which is acidic and polar, at codon 503 of the CYP7B1 protein (p.Lys503Glu). This variant is present in population databases (no rsID available, gnomAD 0.03%). This variant has not been reported in the literature in individuals affected with CYP7B1-related conditions. ClinVar contains an entry for this variant (Variation ID: 287111). Invitae Evidence Modeling of protein sequence and biophysical properties (such as structural, functional, and spatial information, amino acid conservation, physicochemical variation, residue mobility, and thermodynamic stability) indicates that this missense variant is expected to disrupt CYP7B1 protein function with a positive predictive value of 95%. In summary, the available evidence is currently insufficient to determine the role of this variant in disease. Therefore, it has been classified as a Variant of Uncertain Significance.

Mayo Clinic Laboratories, Mayo Clinic
Classification: Uncertain significance. Last evaluated: 2025-04-21. Review status: criteria provided, single submitter. Criteria: ACMG Guidelines, 2015. Collection method: clinical testing. Allele origin: germline. Observed: 1 variant allele.
Comment: PM2_supporting

Ambry Genetics
Classification: Uncertain significance for Inborn genetic diseases. Last evaluated: 2024-09-03. Review status: criteria provided, single submitter. Criteria: Ambry Variant Classification Scheme 2023. Collection method: clinical testing. Allele origin: germline.

Athena Diagnostics
Classification: Uncertain significance. Last evaluated: 2024-02-19. Review status: criteria provided, single submitter. Criteria: Athena Diagnostics Criteria. Collection method: clinical testing. Allele origin: unknown.
Comment: Available data are insufficient to determine the clinical significance of the variant at this time. The frequency of this variant in the general population is uninformative in assessment of its pathogenicity. Computational tools disagree on the variant's effect on normal protein function.

GeneDx
Classification: Uncertain significance. Last evaluated: 2022-09-09. Review status: criteria provided, single submitter. Criteria: GeneDx Variant Classification Process June 2021. Collection method: clinical testing. Allele origin: germline. Affected: yes.
Comment: In silico analysis supports that this missense variant has a deleterious effect on protein structure/function; Has not been previously published as pathogenic or benign to our knowledge

Eurofins Ntd Llc (ga)
Classification: Uncertain significance. Last evaluated: 2016-03-23. Review status: criteria provided, single submitter. Criteria: EGL Classification Definitions 2015. Collection method: clinical testing. Allele origin: germline. Observed: 1 variant allele, 1 heterozygote.

NM_004820.5(CYP7B1):c.1507A>G (p.Lys503Glu)

Gene: CYP7B1 (cytochrome P450 family 7 subfamily B member 1; minus strand). Cytogenetic location: 8q12.3.
Variant type: single nucleotide variant.
Coding change: c.1507A>G on transcript NM_004820.5 (MANE Select); coding-DNA position 1507, A replaced by G.
Protein change: p.Lys503Glu; replaces lysine 503 with glutamic acid.
Molecular consequence: missense variant. On other transcripts: intron variant (1).
Genome position (GRCh38, 1-based): chr8:64,596,656, T>C on the plus strand (A>G on the coding strand, the complement: CYP7B1 is on the minus strand). VCF-style: chr8-64596656-T-C. GRCh37 (hg19) VCF-style: chr8-65509213-T-C.
Other names: p.Lys503Glu; c.1507A>G (NM_004820.3); c.1234-6812A>G (NM_001324112.2); short protein forms K503E.
Identifiers: ClinVar variation 287111 (VCV000287111.12), dbSNP rs886043568, ClinGen allele CA10605669.